The following is an entry in ClinVar:

NM_024757.5(EHMT1):c.2473C>T (p.Leu825Phe)

Gene: EHMT1 (euchromatic histone lysine methyltransferase 1; plus strand). Cytogenetic location: 9q34.3.
Variant type: single nucleotide variant.
Coding change: c.2473C>T on transcript NM_024757.5 (MANE Select); coding-DNA position 2473, C replaced by T.
Protein change: p.Leu825Phe; replaces leucine 825 with phenylalanine.
Molecular consequence: missense variant.
Genome position (GRCh38, 1-based): chr9:137,790,938, C>T. VCF-style: chr9-137790938-C-T. GRCh37 (hg19) VCF-style: chr9-140685390-C-T.
Other names: c.2380C>T, p.Leu794Phe (NM_001354259.2); c.2452C>T, p.Leu818Phe (NM_001354263.2); short protein forms L794F, L818F, L825F.
Identifiers: ClinVar variation 1698305 (VCV001698305.5), dbSNP rs1386875637, ClinGen allele CA375785620.

ClinVar aggregate classification (germline): Conflicting classifications of pathogenicity. Review status: criteria provided, conflicting classifications (1 of 4 stars). 3 submissions from 3 submitters: Uncertain significance (1); Likely benign (1). 1 of the submissions does not count toward it. Last evaluated 2025-11-11.

Conditions:
Kleefstra syndrome 1 (KLEFS1). Identifiers: Orphanet 261494, MedGen C0795833, MONDO:0027407, OMIM 610253.
EHMT1-related disorder. Also called: EHMT1-related condition.

Allele frequency attached by ClinVar (database versions not stated): gnomAD exomes below 0.00001.
gnomAD v4.1: 1 of 1,614,174 alleles (0.000062%); highest among the groups gnomAD compares: East Asian, 0.0022%; no homozygotes.

Submissions (3):

GeneDx
Classification: Uncertain significance. Last evaluated: 2025-11-11. Review status: criteria provided, single submitter. Criteria: GeneDx Variant Classification Process June 2021. Collection method: clinical testing. Allele origin: germline.
Comment: Not observed at significant frequency in large population cohorts (gnomAD); In silico analysis supports that this missense variant has a deleterious effect on protein structure/function; Has not been previously published as pathogenic or benign to our knowledge

Labcorp Genetics (formerly Invitae), Labcorp
Classification: Likely benign for Kleefstra syndrome 1. Last evaluated: 2025-02-26. Review status: criteria provided, single submitter. Criteria: Invitae Variant Classification Sherloc (09022015). Collection method: clinical testing. Allele origin: germline.

PreventionGenetics, part of Exact Sciences
Classification: Uncertain significance for EHMT1-related condition. Last evaluated: 2024-08-06. Review status: no assertion criteria provided. Collection method: clinical testing. Allele origin: germline. Not counted in ClinVar's aggregate classification.
Comment: The EHMT1 c.2473C>T variant is predicted to result in the amino acid substitution p.Leu825Phe. To our knowledge, this variant has not been reported in the literature. This variant is reported in 0.0054% of alleles in individuals of East Asian descent in gnomAD. At this time, the clinical significance of this variant is uncertain due to the absence of conclusive functional and genetic evidence.